The following is an entry in ClinVar:

ClinVar aggregate classification (germline): Uncertain significance. Review status: criteria provided, multiple submitters, no conflicts (2 of 4 stars). 6 submissions from 6 submitters: Uncertain significance (6). Last evaluated 2025-06-09.

Conditions:
MYH7-related skeletal myopathy. Also called: MYOPATHY, DISTAL, EARLY-ONSET, AUTOSOMAL DOMINANT; MYOPATHY, LATE DISTAL HEREDITARY; Laing distal myopathy; Laing early-onset distal myopathy; Myopathy, distal, 1. Identifiers: Orphanet 59135, MedGen C4552004, MONDO:0008050, OMIM 160500.
Hypertrophic cardiomyopathy 1 (CMH1). Also called: MYH7-Related Familial Hypertrophic Cardiomyopathy; Familial hypertrophic cardiomyopathy 1. Identifiers: MedGen C3495498, MONDO:0008647, OMIM 192600.
Dilated cardiomyopathy 1S (CMD1S). Identifiers: Orphanet 154, Orphanet 54260, MedGen C1834481, MONDO:0013262, OMIM 613426.
Myopathy, myosin storage, autosomal recessive (CMYO7B). Also called: CONGENITAL MYOPATHY 7B, MYOSIN STORAGE, AUTOSOMAL RECESSIVE. Identifiers: Orphanet 636970, MedGen C1850709, MONDO:0009708, OMIM 255160.
Myosin storage myopathy (CMYO7A). Also called: Scapuloperoneal myopathy, MYH7-related; SCAPULOPERONEAL MUSCULAR DYSTROPHY; SCAPULOPERONEAL SYNDROME, MYOPATHIC TYPE; MYOPATHY, HYALINE BODY, AUTOSOMAL DOMINANT; MYOPATHY WITH LYSIS OF TYPE I MYOFIBRILS; MYH7-related late-onset scapuloperoneal muscular dystrophy. Identifiers: Orphanet 437572, Orphanet 636965, MedGen C1842160, MONDO:0008409, OMIM 608358.
Congenital myopathy with fiber type disproportion. Also called: Congenital fiber-type disproportion; Congenital fiber-type disproportion myopathy. Identifiers: Orphanet 2020, MedGen C0546264, MONDO:0009711. Inheritance: all.
Cardiomyopathy (CMYO). Also called: Cardiomyopathies. Identifiers: Orphanet 167848, MedGen C0878544, MONDO:0004994, HP:0001638. Inheritance: Various modes of inheritance.
Cardiovascular phenotype. Identifiers: MedGen CN230736.
Hypertrophic cardiomyopathy. Also called: HYPERTROPHIC MYOCARDIOPATHY. Identifiers: Orphanet 217569, MedGen C0007194, MeSH D002312, MONDO:0005045, HP:0001639.

Allele frequency attached by ClinVar (database versions not stated): gnomAD 0.00001; ExAC 0.00002; gnomAD exomes 0.00002.
gnomAD v4.1: 21 of 1,614,202 alleles (0.0013%); highest among the groups gnomAD compares: South Asian, 0.0033%; no homozygotes.

Submissions (6):

Ambry Genetics
Classification: Uncertain significance for Cardiovascular phenotype. Last evaluated: 2025-06-09. Review status: criteria provided, single submitter. Criteria: Ambry Variant Classification Scheme 2023. Collection method: clinical testing. Allele origin: germline.
Comment: The p.R1689H variant (also known as c.5066G>A), located in coding exon 33 of the MYH7 gene, results from a G to A substitution at nucleotide position 5066. The arginine at codon 1689 is replaced by histidine, an amino acid with highly similar properties. This amino acid position is highly conserved in available vertebrate species. In addition, this alteration is predicted to be deleterious by in silico analysis. Based on the available evidence, the clinical significance of this variant remains unclear.

Color Diagnostics, LLC DBA Color Health
Classification: Uncertain significance for Cardiomyopathy. Last evaluated: 2025-02-18. Review status: criteria provided, single submitter. Criteria: ACMG Guidelines, 2015. Collection method: clinical testing. Allele origin: germline.
Comment: This missense variant replaces arginine with histidine at codon 1689 of the MYH7 protein. Computational prediction suggests that this variant may have a deleterious impact on protein structure and function. To our knowledge, functional studies have not been reported for this variant. This variant has been reported in an individual affected with hypertrophic cardiomyopathy (PMID: 28356264). This variant has been identified in 5/282720 chromosomes in the general population by the Genome Aggregation Database (gnomAD). The available evidence is insufficient to determine the role of this variant in disease conclusively. Therefore, this variant is classified as a Variant of Uncertain Significance.

Labcorp Genetics (formerly Invitae), Labcorp
Classification: Uncertain significance for Hypertrophic cardiomyopathy. Last evaluated: 2025-01-26. Review status: criteria provided, single submitter. Criteria: Invitae Variant Classification Sherloc (09022015). Collection method: clinical testing. Allele origin: germline.
Comment: This sequence change replaces arginine, which is basic and polar, with histidine, which is basic and polar, at codon 1689 of the MYH7 protein (p.Arg1689His). This variant is present in population databases (rs772008016, gnomAD 0.005%). This missense change has been observed in individual(s) with hypertrophic cardiomyopathy (PMID: 28356264). ClinVar contains an entry for this variant (Variation ID: 519115). Invitae Evidence Modeling of protein sequence and biophysical properties (such as structural, functional, and spatial information, amino acid conservation, physicochemical variation, residue mobility, and thermodynamic stability) indicates that this missense variant is expected to disrupt MYH7 protein function with a positive predictive value of 95%. In summary, the available evidence is currently insufficient to determine the role of this variant in disease. Therefore, it has been classified as a Variant of Uncertain Significance.

All of Us Research Program, National Institutes of Health
Classification: Uncertain significance for Cardiomyopathy. Last evaluated: 2024-09-23. Review status: criteria provided, single submitter. Criteria: ACMG Guidelines, 2015. Collection method: clinical testing. Allele origin: germline. Inheritance: Autosomal dominant inheritance. Observed: 4 variant alleles, 4 heterozygotes.
Comment: This missense variant replaces arginine with histidine at codon 1689 of the MYH7 protein. Computational prediction suggests that this variant may have deleterious impact on protein structure and function (internally defined REVEL score threshold >= 0.7, PMID: 27666373). To our knowledge, functional studies have not been reported for this variant. This variant has been reported in an individual affected with hypertrophic cardiomyopathy (PMID: 28356264). This variant has been identified in 5/282720 chromosomes in the general population by the Genome Aggregation Database (gnomAD). The available evidence is insufficient to determine the role of this variant in disease conclusively. Therefore, this variant is classified as a Variant of Uncertain Significance.

This study involves interpretation of variants in research participants for the purpose of population health screening. Participant phenotype was not available at the time of variant classification. Additional details can be found in publication PMID: 35346344, PMCID: PMC8962531

GeneDx
Classification: Uncertain significance. Last evaluated: 2021-10-08. Review status: criteria provided, single submitter. Criteria: GeneDx Variant Classification Process June 2021. Collection method: clinical testing. Allele origin: germline. Affected: yes.
Comment: Identified in a patient with hypertrophic cardiomyopathy; however, this patient also harbored an additional cardiogenetic variant (Gomez et al., 2017); Reported in ClinVar as a variant of uncertain significance (ClinVar Variant ID# 519115; Landrum et al., 2016); Not observed at a significant frequency in large population cohorts (Lek et al., 2016); In silico analysis supports that this missense variant has a deleterious effect on protein structure/function; This variant is associated with the following publications: (PMID: 28356264, 21310275)

Fulgent Genetics
Classification: Uncertain significance for MYH7-related skeletal myopathy; Myosin storage myopathy; Hypertrophic cardiomyopathy 1; Myopathy, myosin storage, autosomal recessive; Congenital myopathy 4A, autosomal dominant; Dilated cardiomyopathy 1S. Last evaluated: 2021-08-12. Review status: criteria provided, single submitter. Criteria: ACMG Guidelines, 2015. Collection method: clinical testing. Allele origin: unknown.

Literature cited by the submitters: PubMed 28356264 (cited by 3 submitters).

NM_000257.4(MYH7):c.5066G>A (p.Arg1689His)

Genes: MYH7 (myosin heavy chain 7; minus strand), MHRT (myosin heavy chain associated RNA transcript; plus strand), LOC126861897 (BRD4-independent group 4 enhancer GRCh37_chr14:23884455-23885654; plus strand). Cytogenetic location: 14q11.2.
Variant type: single nucleotide variant.
Coding change: c.5066G>A on transcript NM_000257.4 (MANE Select); coding-DNA position 5066, G replaced by A.
Protein change: p.Arg1689His; replaces arginine 1689 with histidine.
Molecular consequence: missense variant. On other transcripts: non-coding transcript variant (1).
Genome position (GRCh38, 1-based): chr14:23,415,720, C>T on the plus strand (G>A on the coding strand, the complement: MYH7 is on the minus strand). VCF-style: chr14-23415720-C-T. GRCh37 (hg19) VCF-style: chr14-23884929-C-T.
Other names: c.5066G>A (LRG_384t1); short protein forms R1689H.
Identifiers: ClinVar variation 519115 (VCV000519115.22), dbSNP rs772008016, ClinGen allele CA045191.
Genomic context (GRCh38, chr14:23,415,720, plus strand): 5'-GTCTCAATCAGCTCCTGCTCCGCCAGCTTCCGGGACCGCTCTGTCTGCTCCACCACGGCA[C>T]GCAACTCCTCCAGCTCAGCCTGCAGCAGGTTGTTGCGCCGCTCCACGATGGCGATGTTCT-3'
Protein context (NP_000248.2, residues 1679-1699): NLLQAELEEL[Arg1689His]AVVEQTERSR